The following is an entry in ClinVar:

ClinVar aggregate classification (germline): Pathogenic/Likely pathogenic. Review status: criteria provided, multiple submitters, no conflicts (2 of 4 stars). 7 submissions from 7 submitters: Pathogenic (3); Likely pathogenic (4). Last evaluated 2025-11-22.

Conditions:
GBE1-related disorder. Also called: GBE1-related condition; GBE1-related disorders. Identifiers: MedGen CN239402.
Glycogen storage disease, type IV (GSD4). Also called: AMYLOPECTINOSIS; ANDERSEN DISEASE; BRANCHER DEFICIENCY; CIRRHOSIS, FAMILIAL, WITH DEPOSITION OF ABNORMAL GLYCOGEN; GBE1 DEFICIENCY; GLYCOGEN BRANCHING ENZYME DEFICIENCY. Identifiers: Orphanet 367, MedGen C0017923, MONDO:0009292, OMIM 232500.
Adult polyglucosan body disease (APBN). Also called: GBE1-Adult Polyglucosan Body Disease; POLYGLUCOSAN BODY DISEASE, ADULT FORM. Identifiers: Orphanet 206583, MedGen C1849722, MONDO:0009897, OMIM 263570.
Glycogen storage disease IV, classic hepatic. Also called: GSD IV, CLASSIC HEPATIC. Identifiers: MedGen C1856301.

Allele frequency attached by ClinVar (database versions not stated): gnomAD exomes below 0.00001 and 0.00001; gnomAD 0.00001; TOPMed 0.00002.
gnomAD v4.1: 8 of 1,595,076 alleles (0.0005%); highest among the groups gnomAD compares: Non-Finnish European, 0.0006%; no homozygotes.

Submissions (7):

Labcorp Genetics (formerly Invitae), Labcorp
Classification: Pathogenic for Glycogen storage disease, type IV; Glycogen storage disease IV, classic hepatic. Last evaluated: 2025-11-22. Review status: criteria provided, single submitter. Criteria: Invitae Variant Classification Sherloc (09022015). Collection method: clinical testing. Allele origin: germline.
Comment: This sequence change replaces tyrosine, which is neutral and polar, with cysteine, which is neutral and slightly polar, at codon 535 of the GBE1 protein (p.Tyr535Cys). This variant is present in population databases (no rsID available, gnomAD 0.002%). This missense change has been observed in individual(s) with glycogen storage disease type IV (PMID: 20058079, 25728520). In at least one individual the data is consistent with being in trans (on the opposite chromosome) from a pathogenic variant. It has also been observed to segregate with disease in related individuals. ClinVar contains an entry for this variant (Variation ID: 346787). Invitae Evidence Modeling of protein sequence and biophysical properties (such as structural, functional, and spatial information, amino acid conservation, physicochemical variation, residue mobility, and thermodynamic stability) indicates that this missense variant is expected to disrupt GBE1 protein function with a positive predictive value of 95%. For these reasons, this variant has been classified as Pathogenic.

Natera, Inc.
Classification: Likely pathogenic for Glycogen storage disease type IV. Last evaluated: 2024-09-17. Review status: criteria provided, single submitter. Criteria: Natera Variant Classification Schema (03/2026). Collection method: clinical testing. Allele origin: germline.
Comment: The c.1604A>G variant in GBE1 is a missense variant predicted to cause substitution of tyrosine to cysteine at amino acid 535. This variant is rare in the general population with a frequency below the threshold expected for the associated phenotype(s). This variant has been observed in one or more individuals affected with the associated recessive disease, as either homozygous or compound heterozygous with a second variant (PMID: 25728520, 20058079). Additionally, this variant has been observed to segregate in affected family members (PMID: 25728520). Computational prediction algorithms indicate this variant is likely to affect gene or protein function. Given the available evidence, this variant is classified as Likely Pathogenic.

Blueprint Genetics
Classification: Pathogenic for GBE1-related disorders. Last evaluated: 2024-07-30. Review status: criteria provided, single submitter. Criteria: ACMG Guidelines, 2015. Collection method: clinical testing. Allele origin: germline. Affected: yes. Observed: 1 variant allele.

Fulgent Genetics
Classification: Likely pathogenic for Glycogen storage disease, type IV; Adult polyglucosan body disease. Last evaluated: 2024-01-17. Review status: criteria provided, single submitter. Criteria: ACMG Guidelines, 2015. Collection method: clinical testing. Allele origin: germline.

Baylor Genetics
Classification: Pathogenic for Glycogen storage disease, type IV. Last evaluated: 2023-12-13. Review status: criteria provided, single submitter. Criteria: ACMG Guidelines, 2015. Collection method: clinical testing. Allele origin: unknown.

Broad Center for Mendelian Genomics, Broad Institute of MIT and Harvard
Classification: Likely pathogenic for Glycogen storage disease, type IV. Last evaluated: 2022-01-27. Review status: criteria provided, single submitter. Criteria: ACMG Guidelines, 2015. Collection method: curation. Allele origin: germline. Inheritance: Autosomal recessive inheritance.
Comment: The p.Tyr535Cys variant in GBE1 has been reported in 2 individuals, in the compound heterozygous state, with GBE1-related disorders (PMID: 20058079, 25728520), segregated with disease in 2 affected relatives from 1 family (PMID: 25728520), and has been identified in 0.002% (3/123296) of European (non-Finnish) chromosomes by the Genome Aggregation Database (gnomAD; dbSNP ID: rs886058900). Although this variant has been seen in the general population in a heterozygous state, its frequency is low enough to be consistent with a recessive carrier frequency. This variant has also been reported in ClinVar (Variation ID#: 346787) and has been interpreted as likely pathogenic by Illumina Clinical Services Laboratory (Illumina). In vitro functional studies provide some evidence that the p.Tyr535Cys variant may impact protein function (PMID: 25728520). However, these types of assays may not accurately represent biological function. Computational prediction tools and conservation analyses suggest that this variant may impact the protein. In summary, although additional studies are required to fully establish its clinical significance, this variant is likely pathogenic for autosomal recessive GBE1-related disorder. ACMG/AMP Criteria applied: PP3, PP1, PM2, PS3_moderate (Richards 2015).

Illumina Laboratory Services, Illumina
Classification: Likely pathogenic for GBE1-Related Disorders. Last evaluated: 2017-04-28. Review status: criteria provided, single submitter. Criteria: ICSL Variant Classification Criteria 09 May 2019. Collection method: clinical testing. Allele origin: germline.
Comment: The GBE1 c.1604A>G (p.Tyr535Cys) missense variant has been reported in three studies in which it is found in a total of five individuals with either glycogen storage disease type IV or adult polyglucosan body disease, including in four in a compound heterozygous state and in one in a heterozygous state where a second variant was not identified (Massa et al. 2008; Li et al. 2010; Colombo et al. 2015). The variant has also been detected in at least one unaffected heterozygote. The p.Tyr535Cys variant was absent from at least 200 control chromosomes and is not found in the 1000 Genomes Project, the Exome Sequencing Project, or the Exome Aggregation Consortium. The Tyr535 residue is noted to be conserved. Functional studies in individual cells demonstrate that the variant results in enzyme activity in liver with some residual activity (30%) seen in cultured fibroblasts (Li et al. 2010). Based on the evidence the p.Tyr535Cys variant is classified as likely pathogenic for GBE1-related disorders. This variant was observed by ICSL as part of a predisposition screen in an ostensibly healthy population.

Literature cited by the submitters: PubMed 20058079 (cited by 3 submitters); PubMed 25728520 (cited by 3 submitters); PubMed 17994551 (cited by Illumina Laboratory Services, Illumina).

NM_000158.4(GBE1):c.1604A>G (p.Tyr535Cys)

Gene: GBE1 (1,4-alpha-glucan branching enzyme 1; minus strand). Cytogenetic location: 3p12.2.
Variant type: single nucleotide variant.
Coding change: c.1604A>G on transcript NM_000158.4 (MANE Select); coding-DNA position 1604, A replaced by G.
Protein change: p.Tyr535Cys; replaces tyrosine 535 with cysteine.
Molecular consequence: missense variant.
Genome position (GRCh38, 1-based): chr3:81,577,939, T>C on the plus strand (A>G on the coding strand, the complement: GBE1 is on the minus strand). VCF-style: chr3-81577939-T-C. GRCh37 (hg19) VCF-style: chr3-81627090-T-C.
Other names: NM_000158.4(GBE1):c.1604A>G; p.Tyr535Cys; short protein forms Y535C.
Identifiers: ClinVar variation 346787 (VCV000346787.17), dbSNP rs886058900, ClinGen allele CA10616731.